The following is an entry in ClinVar:

NM_000313.4(PROS1):c.1861G>A (p.Gly621Ser)

Gene: PROS1 (protein S; minus strand). Cytogenetic location: 3q11.1.
Variant type: single nucleotide variant.
Coding change: c.1861G>A on transcript NM_000313.4 (MANE Select); coding-DNA position 1861, G replaced by A.
Protein change: p.Gly621Ser; replaces glycine 621 with serine.
Molecular consequence: missense variant.
Genome position (GRCh38, 1-based): chr3:93,876,975, C>T on the plus strand (G>A on the coding strand, the complement: PROS1 is on the minus strand). VCF-style: chr3-93876975-C-T. GRCh37 (hg19) VCF-style: chr3-93595819-C-T.
Other names: c.1957G>A, p.Gly653Ser (NM_001314077.2); short protein forms G621S, G653S.
Identifiers: ClinVar variation 1676813 (VCV001676813.2), dbSNP rs2107124955, ClinGen allele CA353670833.

ClinVar aggregate classification (germline): Uncertain significance (1 of 4 stars; one submission).

Submission:

MVZ Dr. Eberhard & Partner Dortmund
Classification: Uncertain significance. Last evaluated: 2021-12-29. Review status: criteria provided, single submitter. Criteria: ACMG Guidelines, 2015. Collection method: clinical testing. Allele origin: unknown. Observed: 1 heterozygote.
Comment: This sequence change from G to A likely causes an amino acid change from Glycine to Serine at position 621. Multiple lines of computational evidence suggest a deleterious effect of this variant. This variant is not present in literature, mutation databases or in controls like Exome Sequencing Project, 1000 Genomes Project and the Genome Aggregation Database. Interestingly, Miyata 2009 (PMID: 18954896) reports a heterozygous variant causing Gly620Ser leading to reduced Protein S activity (< 10 %). Summarising the reported variant is considered to be a variant of uncertain significance according to the ACMG guidelines.